The following is an entry in ClinVar:

ClinVar aggregate classification (germline): Likely benign (0 of 4 stars; one submission).

Conditions:
DNHD1-related disorder. Also called: DNHD1-related condition.

Allele frequency attached by ClinVar (database versions not stated): ExAC 0.00010; gnomAD 0.00015; 1000 Genomes Project 30x 0.00016; TOPMed 0.00016; ESP Exome Variant Server 0.00044.
gnomAD v4.1: 513 of 1,551,574 alleles (0.033%); highest among the groups gnomAD compares: Non-Finnish European, 0.043%; 1 homozygote.

Submission:

PreventionGenetics, part of Exact Sciences
Classification: Likely benign for DNHD1-related condition. Last evaluated: 2019-07-23. Review status: no assertion criteria provided. Collection method: clinical testing. Allele origin: germline.
Comment: This variant is classified as likely benign based on ACMG/AMP sequence variant interpretation guidelines (Richards et al. 2015 PMID: 25741868, with internal and published modifications).

NM_144666.3(DNHD1):c.3633C>T (p.Tyr1211=)

Gene: DNHD1 (dynein heavy chain domain 1; plus strand). Cytogenetic location: 11p15.4.
Variant type: single nucleotide variant.
Coding change: c.3633C>T on transcript NM_144666.3 (MANE Select); coding-DNA position 3633, C replaced by T.
Protein change: p.Tyr1211=; no amino-acid change (tyrosine 1211 retained).
Molecular consequence: synonymous variant.
Genome position (GRCh38, 1-based): chr11:6,544,125, C>T. VCF-style: chr11-6544125-C-T. GRCh37 (hg19) VCF-style: chr11-6565355-C-T.
Identifiers: ClinVar variation 3033501 (VCV003033501.2), dbSNP rs375916001, ClinGen allele CA5855926.